The following is an entry in ClinVar:

ClinVar aggregate classification (germline): Pathogenic (1 of 4 stars; one submission).

Conditions:
DICER1-related tumor predisposition. Also called: DICER1-related pleuropulmonary blastoma cancer predisposition syndrome; DICER1 syndrome. Identifiers: Orphanet 284343, MedGen C3839822, MONDO:0100216.

Submission:

Foulkes Cancer Genetics LDI, Lady Davis Institute for Medical Research
Classification: Pathogenic for Pleuropulmonary blastoma. Last evaluated: 2019-07-01. Review status: criteria provided, single submitter. Criteria: ACMG Guidelines, 2015. Collection method: curation. Allele origin: germline. Affected: yes. Observed: 1 variant allele.
Comment: ACMG criteria met: PVS1, PM2, PP4

Literature cited by the submitters: PubMed 24481001.

NM_177438.3(DICER1):c.3970_3971delinsC (p.Lys1324fs)

Gene: DICER1 (dicer 1, ribonuclease III; minus strand). Cytogenetic location: 14q32.13.
Variant type: Indel.
Coding change: c.3970_3971delinsC on transcript NM_177438.3 (MANE Select); coding-DNA positions 3970 to 3971, AA replaced by C.
Protein change: p.Lys1324fs; shifts the reading frame from lysine 1324.
Molecular consequence: frameshift variant.
Genome position (GRCh38, 1-based): chr14:95,103,425-95,103,426, TT replaced by G on the plus strand (AA replaced by C on the coding strand, the reverse complement: DICER1 is on the minus strand). VCF-style: chr14-95103425-TT-G. GRCh37 (hg19) VCF-style: chr14-95569762-TT-G.
Other names: c.3970_3971delinsC, p.Lys1324fs (NM_001195573.1, NM_001271282.3, NM_001291628.2 and 1 more transcripts); short protein forms K1324fs.
Identifiers: ClinVar variation 933027 (VCV000933027.3), dbSNP rs1891076536, ClinGen allele CA1139663709.